The following is an entry in ClinVar:

ClinVar aggregate classification (germline): Uncertain significance (0 of 4 stars; one submission).

Conditions:
DNAH5-related disorder. Also called: DNAH5-related condition.

Submission:

PreventionGenetics, part of Exact Sciences
Classification: Uncertain significance for DNAH5-related condition. Last evaluated: 2024-06-10. Review status: no assertion criteria provided. Collection method: clinical testing. Allele origin: germline.
Comment: The DNAH5 c.11075T>A variant is predicted to result in the amino acid substitution p.Leu3692His. To our knowledge, this variant has not been reported in the literature or in a large population database, indicating this variant is rare. At this time, the clinical significance of this variant is uncertain due to the absence of conclusive functional and genetic evidence.

NM_001369.3(DNAH5):c.11075T>A (p.Leu3692His)

Gene: DNAH5 (dynein axonemal heavy chain 5; minus strand). Cytogenetic location: 5p15.2.
Variant type: single nucleotide variant.
Coding change: c.11075T>A on transcript NM_001369.3 (MANE Select); coding-DNA position 11075, T replaced by A.
Protein change: p.Leu3692His; replaces leucine 3692 with histidine.
Molecular consequence: missense variant.
Genome position (GRCh38, 1-based): chr5:13,751,214, A>T on the plus strand (T>A on the coding strand, the complement: DNAH5 is on the minus strand). VCF-style: chr5-13751214-A-T. GRCh37 (hg19) VCF-style: chr5-13751323-A-T.
Other names: short protein forms L3692H.
Identifiers: ClinVar variation 3347626 (VCV003347626.1).